The following is an entry in ClinVar:

ClinVar aggregate classification (germline): Benign/Likely benign. Review status: criteria provided, multiple submitters, no conflicts (2 of 4 stars). 5 submissions from 5 submitters: Benign (1); Likely benign (4). Last evaluated 2026-01-19.

Conditions:
ADGRV1-related disorder. Also called: ADGRV1-related condition; ADGRV1-related disorders.

Allele frequency attached by ClinVar (database versions not stated): TOPMed 0.00003; gnomAD 0.00006; gnomAD exomes 0.00007 and 0.00008; ESP Exome Variant Server 0.00008; ExAC 0.00014.
gnomAD v4.1: 105 of 1,613,358 alleles (0.0065%); highest among the groups gnomAD compares: Admixed American, 0.0083%; 1 homozygote.

Submissions (5):

Labcorp Genetics (formerly Invitae), Labcorp
Classification: Benign. Last evaluated: 2026-01-19. Review status: criteria provided, single submitter. Criteria: Invitae Variant Classification Sherloc (09022015). Collection method: clinical testing. Allele origin: germline.

PreventionGenetics, part of Exact Sciences
Classification: Likely benign for ADGRV1-related condition. Last evaluated: 2025-02-21. Review status: criteria provided, single submitter. Criteria: ACMG Guidelines, 2015. Collection method: clinical testing. Allele origin: germline.
Comment: This variant is classified as likely benign based on ACMG/AMP sequence variant interpretation guidelines (Richards et al. 2015 PMID: 25741868, with internal and published modifications).

CeGaT Center for Human Genetics Tuebingen
Classification: Likely benign. Last evaluated: 2022-12-01. Review status: criteria provided, single submitter. Criteria: CeGaT Center For Human Genetics Tuebingen Variant Classification Criteria Version 2. Collection method: clinical testing. Allele origin: germline. Affected: yes. Observed: 1 variant allele.
Comment: ADGRV1: BP4, BP7

Blueprint Genetics
Classification: Likely benign. Last evaluated: 2022-03-24. Review status: criteria provided, single submitter. Criteria: ACMG Guidelines, 2015. Collection method: clinical testing. Allele origin: germline.

GeneDx
Classification: Likely benign. Last evaluated: 2018-03-13. Review status: criteria provided, single submitter. Criteria: GeneDx Variant Classification (06012015). Collection method: clinical testing. Allele origin: germline. Affected: yes.
Comment: This variant is considered likely benign or benign based on one or more of the following criteria: it is a conservative change, it occurs at a poorly conserved position in the protein, it is predicted to be benign by multiple in silico algorithms, and/or has population frequency not consistent with disease.

NM_032119.4(ADGRV1):c.12978A>G (p.Ala4326=)

Gene: ADGRV1 (adhesion G protein-coupled receptor V1; plus strand). Cytogenetic location: 5q14.3.
Variant type: single nucleotide variant.
Coding change: c.12978A>G on transcript NM_032119.4 (MANE Select); coding-DNA position 12978, A replaced by G.
Protein change: p.Ala4326=; no amino-acid change (alanine 4326 retained).
Molecular consequence: synonymous variant. On other transcripts: non-coding transcript variant (1).
Genome position (GRCh38, 1-based): chr5:90,778,993, A>G. VCF-style: chr5-90778993-A-G. GRCh37 (hg19) VCF-style: chr5-90074810-A-G.
Identifiers: ClinVar variation 680190 (VCV000680190.34), dbSNP rs200083687, ClinGen allele CA3341389.